The following is an entry in ClinVar:

NM_020754.4(ARHGAP31):c.3027G>A (p.Glu1009=)

Gene: ARHGAP31 (Rho GTPase activating protein 31; plus strand). Cytogenetic location: 3q13.33.
Variant type: single nucleotide variant.
Coding change: c.3027G>A on transcript NM_020754.4 (MANE Select); coding-DNA position 3027, G replaced by A.
Protein change: p.Glu1009=; no amino-acid change (glutamic acid 1009 retained).
Molecular consequence: synonymous variant.
Genome position (GRCh38, 1-based): chr3:119,414,956, G>A. VCF-style: chr3-119414956-G-A. GRCh37 (hg19) VCF-style: chr3-119133803-G-A.
Identifiers: ClinVar variation 3040292 (VCV003040292.2), dbSNP rs2472877207, ClinGen allele CA435411919.
Genomic context (GRCh38, chr3:119,414,956, plus strand): 5'-CCAGGCACCCAGGAGAGAGATTACTGGATGGGATGAGAAAGCCCTGAGGTCCTTCAGAGA[G>A]TTCTCTGGCCTGAAAGGGGCAGAGGCTCCTCCCAACCAGAAGGGACCAAGTGGTGTGCAA-3'
Protein context (NP_065805.2, residues 999-1019): WDEKALRSFR[Glu1009=]FSGLKGAEAP

ClinVar aggregate classification (germline): Likely benign (0 of 4 stars; one submission).

Conditions:
ARHGAP31-related disorder. Also called: ARHGAP31-related condition.

Allele frequency attached by ClinVar (database versions not stated): gnomAD exomes below 0.00001.
gnomAD v4.1: 1 of 1,614,214 alleles (0.000062%); highest among the groups gnomAD compares: Non-Finnish European, 0.000085%; no homozygotes.

Submission:

PreventionGenetics, part of Exact Sciences
Classification: Likely benign for ARHGAP31-related condition. Last evaluated: 2019-09-20. Review status: no assertion criteria provided. Collection method: clinical testing. Allele origin: germline.
Comment: This variant is classified as likely benign based on ACMG/AMP sequence variant interpretation guidelines (Richards et al. 2015 PMID: 25741868, with internal and published modifications).